The following is an entry in ClinVar:

NM_000891.3(KCNJ2):c.60G>A (p.Lys20=)

Gene: KCNJ2 (potassium inwardly rectifying channel subfamily J member 2; plus strand). Cytogenetic location: 17q24.3.
Variant type: single nucleotide variant.
Coding change: c.60G>A on transcript NM_000891.3 (MANE Select); coding-DNA position 60, G replaced by A.
Protein change: p.Lys20=; no amino-acid change (lysine 20 retained).
Molecular consequence: synonymous variant.
Genome position (GRCh38, 1-based): chr17:70,175,099, G>A. VCF-style: chr17-70175099-G-A. GRCh37 (hg19) VCF-style: chr17-68171240-G-A.
Identifiers: ClinVar variation 509930 (VCV000509930.11), dbSNP rs768120590, ClinGen allele CA8738686.

ClinVar aggregate classification (germline): Likely benign. Review status: criteria provided, multiple submitters, no conflicts (2 of 4 stars). 3 submissions from 3 submitters: Likely benign (3). Last evaluated 2026-01-12.

Conditions:
Cardiovascular phenotype. Identifiers: MedGen CN230736.
Andersen Tawil syndrome (LQT7). Also called: ANDERSEN CARDIODYSRHYTHMIC PERIODIC PARALYSIS; Potassium-sensitive periodic paralysis, ventricular ectopy, and dysmorphic features; LONG QT SYNDROME 7; PERIODIC PARALYSIS, POTASSIUM-SENSITIVE CARDIODYSRHYTHMIC TYPE; Andersen Syndrome. Identifiers: Orphanet 37553, MedGen C1563715, MONDO:0008222, OMIM 170390.
Short QT syndrome type 3. Identifiers: Orphanet 51083, MedGen C1865018, MONDO:0012314, OMIM 609622.

Allele frequency attached by ClinVar (database versions not stated): TOPMed 0.00002; gnomAD exomes 0.00004 and 0.00009; ExAC 0.00011.

Submissions (3):

Labcorp Genetics (formerly Invitae), Labcorp
Classification: Likely benign for Short QT syndrome type 3; Andersen Tawil syndrome. Last evaluated: 2026-01-12. Review status: criteria provided, single submitter. Criteria: Invitae Variant Classification Sherloc (09022015). Collection method: clinical testing. Allele origin: germline.

Ambry Genetics
Classification: Likely benign for Cardiovascular phenotype. Last evaluated: 2019-05-23. Review status: criteria provided, single submitter. Criteria: Ambry Variant Classification Scheme 2023. Collection method: clinical testing. Allele origin: germline.

GeneDx
Classification: Likely benign. Last evaluated: 2017-06-19. Review status: criteria provided, single submitter. Criteria: GeneDx Variant Classification (06012015). Collection method: clinical testing. Allele origin: germline. Affected: yes.
Comment: This variant is considered likely benign or benign based on one or more of the following criteria: it is a conservative change, it occurs at a poorly conserved position in the protein, it is predicted to be benign by multiple in silico algorithms, and/or has population frequency not consistent with disease.